The following is an entry in ClinVar:

ClinVar aggregate classification (germline): Uncertain significance. Review status: criteria provided, multiple submitters, no conflicts (2 of 4 stars). 2 submissions from 2 submitters: Uncertain significance (2). Last evaluated 2025-10-13.

Submissions (2):

Labcorp Genetics (formerly Invitae), Labcorp
Classification: Uncertain significance. Last evaluated: 2025-10-13. Review status: criteria provided, single submitter. Criteria: Invitae Variant Classification Sherloc (09022015). Collection method: clinical testing. Allele origin: germline.
Comment: This sequence change replaces asparagine, which is neutral and polar, with aspartic acid, which is acidic and polar, at codon 1767 of the ALPK3 protein (p.Asn1767Asp). This variant is not present in population databases (gnomAD no frequency). This variant has not been reported in the literature in individuals affected with ALPK3-related conditions. Invitae Evidence Modeling of protein sequence and biophysical properties (such as structural, functional, and spatial information, amino acid conservation, physicochemical variation, residue mobility, and thermodynamic stability) indicates that this missense variant is expected to disrupt ALPK3 protein function with a positive predictive value of 80%. In summary, the available evidence is currently insufficient to determine the role of this variant in disease. Therefore, it has been classified as a Variant of Uncertain Significance.

GeneDx
Classification: Uncertain significance. Last evaluated: 2025-06-03. Review status: criteria provided, single submitter. Criteria: GeneDx Variant Classification Process June 2021. Collection method: clinical testing. Allele origin: germline. Affected: yes.
Comment: Not observed at significant frequency in large population cohorts (gnomAD); In silico analysis supports that this missense variant has a deleterious effect on protein structure/function; Has not been previously published as pathogenic or benign to our knowledge

NM_020778.5(ALPK3):c.4693A>G (p.Asn1565Asp)

Gene: ALPK3 (alpha kinase 3; plus strand). Cytogenetic location: 15q25.3.
Variant type: single nucleotide variant.
Coding change: c.4693A>G on transcript NM_020778.5 (MANE Select); coding-DNA position 4693, A replaced by G.
Protein change: p.Asn1565Asp; replaces asparagine 1565 with aspartic acid.
Molecular consequence: missense variant.
Genome position (GRCh38, 1-based): chr15:84,864,635, A>G. VCF-style: chr15-84864635-A-G. GRCh37 (hg19) VCF-style: chr15-85407866-A-G.
Other names: short protein forms N1565D.
Identifiers: ClinVar variation 4536377 (VCV004536377.2).